The following is an entry in ClinVar:

NM_000179.3(MSH6):c.109G>A (p.Ala37Thr)

Gene: MSH6 (mutS homolog 6; plus strand). Cytogenetic location: 2p16.3.
Variant type: single nucleotide variant.
Coding change: c.109G>A on transcript NM_000179.3 (MANE Select); coding-DNA position 109, G replaced by A.
Protein change: p.Ala37Thr; replaces alanine 37 with threonine.
Molecular consequence: missense variant. On other transcripts: 5 prime UTR variant (1).
Genome position (GRCh38, 1-based): chr2:47,783,342, G>A. VCF-style: chr2-47783342-G-A. GRCh37 (hg19) VCF-style: chr2-48010481-G-A.
Other names: c.109G>A, p.Ala37Thr (NM_001281492.2); c.-628G>A (NM_001281493.2); short protein forms A37T.
Identifiers: ClinVar variation 951168 (VCV000951168.10), dbSNP rs775487116, ClinGen allele CA067152.
Genomic context (GRCh38, chr2:47,783,342, plus strand): 5'-CTGAGTGATGCCAACAAGGCCTCGGCCAGGGCCTCACGCGAAGGCGGCCGTGCCGCCGCT[G>A]CCCCCGGGGCCTCTCCTTCCCCAGGCGGGGATGCGGCCTGGAGCGAGGCTGGGCCTGGGC-3'
Protein context (NP_000170.1, residues 27-47): ASREGGRAAA[Ala37Thr]PGASPSPGGD

ClinVar aggregate classification (germline): Uncertain significance (1 of 4 stars; one submission).

Conditions:
Hereditary nonpolyposis colorectal neoplasms. Identifiers: MedGen C0009405, MeSH D003123.

Allele frequency attached by ClinVar (database versions not stated): ExAC 0.00001.

Submission:

Labcorp Genetics (formerly Invitae), Labcorp
Classification: Uncertain significance for Hereditary nonpolyposis colorectal neoplasms. Last evaluated: 2024-02-23. Review status: criteria provided, single submitter. Criteria: Invitae Variant Classification Sherloc (09022015). Collection method: clinical testing. Allele origin: germline.
Comment: This sequence change replaces alanine, which is neutral and non-polar, with threonine, which is neutral and polar, at codon 37 of the MSH6 protein (p.Ala37Thr). This variant is not present in population databases (gnomAD no frequency). This variant has not been reported in the literature in individuals affected with MSH6-related conditions. ClinVar contains an entry for this variant (Variation ID: 951168). Advanced modeling of protein sequence and biophysical properties (such as structural, functional, and spatial information, amino acid conservation, physicochemical variation, residue mobility, and thermodynamic stability) performed at Invitae indicates that this missense variant is not expected to disrupt MSH6 protein function with a negative predictive value of 95%. In summary, the available evidence is currently insufficient to determine the role of this variant in disease. Therefore, it has been classified as a Variant of Uncertain Significance.